The following is an entry in ClinVar:

ClinVar aggregate classification (germline): Uncertain significance (1 of 4 stars; one submission).

gnomAD v4.1: 3 of 1,609,812 alleles (0.00019%); highest among the groups gnomAD compares: Admixed American, 0.0017%; no homozygotes.

Submission:

GeneDx
Classification: Uncertain significance. Last evaluated: 2026-04-13. Review status: criteria provided, single submitter. Criteria: GeneDx Variant Classification Process June 2021. Collection method: clinical testing. Allele origin: germline.
Comment: Not observed at significant frequency in large population cohorts (gnomAD); In silico analysis supports that this missense variant does not alter protein structure/function; Has not been previously published as pathogenic or benign to our knowledge

NM_014991.6(WDFY3):c.2813T>C (p.Met938Thr)

Genes: WDFY3 (WD repeat and FYVE domain containing 3; minus strand), WDFY3-AS1 (WDFY3 antisense RNA 1; plus strand). Cytogenetic location: 4q21.23.
Variant type: single nucleotide variant.
Coding change: c.2813T>C on transcript NM_014991.6 (MANE Select); coding-DNA position 2813, T replaced by C.
Protein change: p.Met938Thr; replaces methionine 938 with threonine.
Molecular consequence: missense variant.
Genome position (GRCh38, 1-based): chr4:84,801,659, A>G on the plus strand (T>C on the coding strand, the complement: WDFY3 is on the minus strand). VCF-style: chr4-84801659-A-G. GRCh37 (hg19) VCF-style: chr4-85722812-A-G.
Other names: short protein forms M938T.
Identifiers: ClinVar variation 3368615 (VCV003368615.2).
Genomic context (GRCh38, chr4:84,801,659, plus strand): 5'-AGAAACTGACATTACTAATTGTGGACTATTTGAGTATGAAAGAGAACTTACCTCAACACC[A>G]TGGGTTCCAGAGCCTGAGAGGCTAATCGTTCAAACATCCGCTGCAGGGGCGGGTGCAGTG-3'
Protein context (NP_055806.2, residues 928-948): ERLASQALEP[Met938Thr]VLREFLRLAS